The following is an entry in ClinVar:

NM_002700.3(POU4F3):c.206G>A (p.Gly69Asp)

Genes: POU4F3 (POU class 4 homeobox 3; plus strand), RBM27-POU4F3 (RBM27-POU4F3 readthrough; plus strand). Cytogenetic location: 5q32.
Variant type: single nucleotide variant.
Coding change: c.206G>A on transcript NM_002700.3 (MANE Select); coding-DNA position 206, G replaced by A.
Protein change: p.Gly69Asp; replaces glycine 69 with aspartic acid.
Molecular consequence: missense variant. On other transcripts: 3 prime UTR variant (1).
Genome position (GRCh38, 1-based): chr5:146,339,633, G>A. VCF-style: chr5-146339633-G-A. GRCh37 (hg19) VCF-style: chr5-145719196-G-A.
Other names: c.*75G>A (NM_001414499.1); short protein forms G69D.
Identifiers: ClinVar variation 4975372 (VCV004975372.1).
Genomic context (GRCh38, chr5:146,339,633, plus strand): 5'-TTGATGAGAGCCTGCTGGCACGCGCCGAAGCTCTGGCGGCGGTGGATATCGTCTCCCACG[G>A]CAAGAACCATCCGTTCAAGCCCGACGCCACCTACCATACCATGAGCAGCGTGCCCTGCAC-3'
Protein context (NP_002691.1, residues 59-79): ALAAVDIVSH[Gly69Asp]KNHPFKPDAT

ClinVar aggregate classification (germline): Uncertain significance (1 of 4 stars; one submission).

Submission:

GeneDx
Classification: Uncertain significance. Last evaluated: 2026-01-23. Review status: criteria provided, single submitter. Criteria: GeneDx Variant Classification Process June 2021. Collection method: clinical testing. Allele origin: germline.
Comment: Has not been previously published as pathogenic or benign to our knowledge; Not observed at significant frequency in large population cohorts (gnomAD); In silico analysis suggests that this missense variant does not alter protein structure/function